The following is an entry in ClinVar:

NM_182961.4(SYNE1):c.2779C>T (p.Arg927Cys)

Gene: SYNE1 (spectrin repeat containing nuclear envelope protein 1; minus strand). Cytogenetic location: 6q25.2.
Variant type: single nucleotide variant.
Coding change: c.2779C>T on transcript NM_182961.4 (MANE Select); coding-DNA position 2779, C replaced by T.
Protein change: p.Arg927Cys; replaces arginine 927 with cysteine.
Molecular consequence: missense variant.
Genome position (GRCh38, 1-based): chr6:152,455,539, G>A on the plus strand (C>T on the coding strand, the complement: SYNE1 is on the minus strand). VCF-style: chr6-152455539-G-A. GRCh37 (hg19) VCF-style: chr6-152776674-G-A.
Other names: c.2800C>T, p.Arg934Cys (NM_033071.5); short protein forms R934C, R927C.
Identifiers: ClinVar variation 1954283 (VCV001954283.8), dbSNP rs549751416, ClinGen allele CA4059029.

ClinVar aggregate classification (germline): Uncertain significance. Review status: criteria provided, multiple submitters, no conflicts (2 of 4 stars). 2 submissions from 2 submitters: Uncertain significance (2). Last evaluated 2024-12-03.

Conditions:
Emery-Dreifuss muscular dystrophy 4, autosomal dominant (EDMD4). Also called: EMERY-DREIFUSS MUSCULAR DYSTROPHY 4 WITH VARIABLE FEATURES. Identifiers: Orphanet 261, MedGen C2751807, MONDO:0013071, OMIM 612998.
Autosomal recessive ataxia, Beauce type. Also called: SYNE1 Deficiency; Spinocerebellar ataxia, autosomal recessive 8; ATAXIA, RECESSIVE, OF BEAUCE; SYNE1-Related Autosomal Recessive Cerebellar Ataxia. Identifiers: Orphanet 88644, MedGen C1853116, MONDO:0012549, OMIM 610743.

Allele frequency attached by ClinVar (database versions not stated): gnomAD 0.00002; gnomAD exomes 0.00002; 1000 Genomes Project 30x 0.00016; 1000 Genomes Project 0.00020; TOPMed 0.00001; ExAC 0.00002.
gnomAD v4.1: 35 of 1,614,076 alleles (0.0022%); highest among the groups gnomAD compares: South Asian, 0.024%; no homozygotes.

Submissions (2):

Labcorp Genetics (formerly Invitae), Labcorp
Classification: Uncertain significance for Emery-Dreifuss muscular dystrophy 4, autosomal dominant; Autosomal recessive ataxia, Beauce type. Last evaluated: 2024-12-03. Review status: criteria provided, single submitter. Criteria: Invitae Variant Classification Sherloc (09022015). Collection method: clinical testing. Allele origin: germline.
Comment: This sequence change replaces arginine, which is basic and polar, with cysteine, which is neutral and slightly polar, at codon 934 of the SYNE1 protein (p.Arg934Cys). This variant is present in population databases (rs549751416, gnomAD 0.02%). This variant has not been reported in the literature in individuals affected with SYNE1-related conditions. ClinVar contains an entry for this variant (Variation ID: 1954283). An algorithm developed to predict the effect of missense changes on protein structure and function (PolyPhen-2) suggests that this variant is likely to be tolerated. In summary, the available evidence is currently insufficient to determine the role of this variant in disease. Therefore, it has been classified as a Variant of Uncertain Significance.

Revvity Omics, Revvity
Classification: Uncertain significance. Last evaluated: 2019-05-03. Review status: criteria provided, single submitter. Criteria: ACMG Guidelines, 2015. Collection method: clinical testing. Allele origin: germline.